The following is an entry in ClinVar:

NM_001256789.3(CACNA1F):c.935A>C (p.Asn312Thr)

Gene: CACNA1F (calcium voltage-gated channel subunit alpha1 F; minus strand). Cytogenetic location: Xp11.23.
Variant type: single nucleotide variant.
Coding change: c.935A>C on transcript NM_001256789.3 (MANE Select); coding-DNA position 935, A replaced by C.
Protein change: p.Asn312Thr; replaces asparagine 312 with threonine.
Molecular consequence: missense variant.
Genome position (GRCh38, 1-based): chrX:49,228,330, T>G on the plus strand (A>C on the coding strand, the complement: CACNA1F is on the minus strand). VCF-style: chrX-49228330-T-G. GRCh37 (hg19) VCF-style: chrX-49084792-T-G.
Other names: c.740A>C, p.Asn247Thr (NM_001256790.3); c.935A>C, p.Asn312Thr (NM_005183.4); short protein forms N312T, N247T.
Identifiers: ClinVar variation 1358657 (VCV001358657.7), dbSNP rs904954978, ClinGen allele CA329124288.

ClinVar aggregate classification (germline): Uncertain significance. Review status: criteria provided, multiple submitters, no conflicts (2 of 4 stars). 2 submissions from 2 submitters: Uncertain significance (2). Last evaluated 2022-11-11.

Allele frequency attached by ClinVar (database versions not stated): gnomAD exomes 0.00001.
gnomAD v4.1: 14 of 1,211,566 alleles (0.0012%); highest among the groups gnomAD compares: Admixed American, 0.0022%; no homozygotes.

Submissions (2):

Blueprint Genetics
Classification: Uncertain significance. Last evaluated: 2022-11-11. Review status: criteria provided, single submitter. Criteria: ACMG Guidelines, 2015. Collection method: clinical testing. Allele origin: germline.

Labcorp Genetics (formerly Invitae), Labcorp
Classification: Uncertain significance. Last evaluated: 2022-03-17. Review status: criteria provided, single submitter. Criteria: Invitae Variant Classification Sherloc (09022015). Collection method: clinical testing. Allele origin: germline.
Comment: This sequence change replaces asparagine, which is neutral and polar, with threonine, which is neutral and polar, at codon 312 of the CACNA1F protein (p.Asn312Thr). This variant is present in population databases (no rsID available, gnomAD 0.004%). This variant has not been reported in the literature in individuals affected with CACNA1F-related conditions. Algorithms developed to predict the effect of missense changes on protein structure and function (SIFT, PolyPhen-2, Align-GVGD) all suggest that this variant is likely to be disruptive. In summary, the available evidence is currently insufficient to determine the role of this variant in disease. Therefore, it has been classified as a Variant of Uncertain Significance.